The following is an entry in ClinVar:

ClinVar aggregate classification (germline): Uncertain significance (1 of 4 stars; one submission).

Conditions:
Developmental and epileptic encephalopathy, 1 (DEE1). Also called: X-linked infantile spasms; West's syndrome; Tonic spasms with clustering, arrest of psychomotor development and hypsarrhythmia on EEG; X-Linked Infantile Spasm Syndrome; OHTAHARA SYNDROME, X-LINKED; Epileptic encephalopathy, early infantile, 1. Identifiers: MedGen C3463992, MONDO:0010632, OMIM 308350. Disease mechanism: loss of function.
Autosomal dominant nonsyndromic hearing loss 65. Also called: Deafness, autosomal dominant 65; TBC1D24-Related Autosomal Dominant Nonsyndromic Hearing Loss (DFNA). Identifiers: Orphanet 90635, MedGen C3892048, MONDO:0014470, OMIM 616044.

Submission:

Labcorp Genetics (formerly Invitae), Labcorp
Classification: Uncertain significance for Developmental and epileptic encephalopathy, 1; Autosomal dominant nonsyndromic hearing loss 65. Last evaluated: 2022-08-16. Review status: criteria provided, single submitter. Criteria: Invitae Variant Classification Sherloc (09022015). Collection method: clinical testing. Allele origin: germline.
Comment: In summary, the available evidence is currently insufficient to determine the role of this variant in disease. Therefore, it has been classified as a Variant of Uncertain Significance. Experimental studies and prediction algorithms are not available or were not evaluated, and the functional significance of this variant is currently unknown. ClinVar contains an entry for this variant (Variation ID: 1062856). This variant has not been reported in the literature in individuals affected with TBC1D24-related conditions. This variant is not present in population databases (gnomAD no frequency). This sequence change affects the initiator methionine of the TBC1D24 mRNA. The next in-frame methionine is located at codon 15.

NM_001199107.2(TBC1D24):c.1A>G (p.Met1Val)

Gene: TBC1D24 (TBC1 domain family member 24; plus strand). Cytogenetic location: 16p13.3.
Variant type: single nucleotide variant.
Coding change: c.1A>G on transcript NM_001199107.2 (MANE Select); coding-DNA position 1, A replaced by G.
Protein change: p.Met1Val; changes the start codon (methionine 1).
Molecular consequence: missense variant, initiator codon variant.
Genome position (GRCh38, 1-based): chr16:2,496,149, A>G. VCF-style: chr16-2496149-A-G. GRCh37 (hg19) VCF-style: chr16-2546150-A-G.
Other names: c.1A>G, p.Met1Val (NM_020705.3); short protein forms M1V.
Identifiers: ClinVar variation 1062856 (VCV001062856.10), dbSNP rs2141870575, ClinGen allele CA394374062.
Genomic context (GRCh38, chr16:2,496,149, plus strand): 5'-TTAGCCACTCTGTCCTCCCCTTCCGGCAGTCCAGGGCCTCCTCCCGAGCACAGCGGCGCT[A>G]TGGACTCTCCAGGATACAACTGCTTCGTGGACAAAGACAAGATGGACGCTGCCATCCAGG-3'
Protein context (NP_001186036.1, residues 1-11): [Met1Val]DSPGYNCFVD